The following is an entry in ClinVar:

NM_014444.5(TUBGCP4):c.104A>G (p.His35Arg)

Gene: TUBGCP4 (tubulin gamma complex component 4; plus strand). Cytogenetic location: 15q15.3.
Variant type: single nucleotide variant.
Coding change: c.104A>G on transcript NM_014444.5 (MANE Select); coding-DNA position 104, A replaced by G.
Protein change: p.His35Arg; replaces histidine 35 with arginine.
Molecular consequence: missense variant.
Genome position (GRCh38, 1-based): chr15:43,376,123, A>G. VCF-style: chr15-43376123-A-G. GRCh37 (hg19) VCF-style: chr15-43668321-A-G.
Other names: c.104A>G, p.His35Arg (NM_001286414.3); short protein forms H35R.
Identifiers: ClinVar variation 944361 (VCV000944361.9), dbSNP rs2044200598, ClinGen allele CA392114432.
Genomic context (GRCh38, chr15:43,376,123, plus strand): 5'-TGGCGGTGTTTTCGGCAGTGTTCCTCTTCCTGCAGGTATCGCAGGACTTCCCTTTCCTCC[A>G]CCCCAGTGAGACCAGTGTCCTGAATCGACTCTGCCGGCTCGGCACAGACTATATTCGCTT-3'
Protein context (NP_055259.2, residues 25-45): LQVSQDFPFL[His35Arg]PSETSVLNRL

ClinVar aggregate classification (germline): Uncertain significance (1 of 4 stars; one submission).

Allele frequency attached by ClinVar (database versions not stated): gnomAD exomes below 0.00001.
gnomAD v4.1: 1 of 1,612,462 alleles (0.000062%); highest among the groups gnomAD compares: Non-Finnish European, 0.000085%; no homozygotes.

Submission:

Labcorp Genetics (formerly Invitae), Labcorp
Classification: Uncertain significance. Last evaluated: 2019-07-29. Review status: criteria provided, single submitter. Criteria: Invitae Variant Classification Sherloc (09022015). Collection method: clinical testing. Allele origin: germline.
Comment: In summary, the available evidence is currently insufficient to determine the role of this variant in disease. Therefore, it has been classified as a Variant of Uncertain Significance. Algorithms developed to predict the effect of missense changes on protein structure and function are either unavailable or do not agree on the potential impact of this missense change (SIFT: "Tolerated"; PolyPhen-2: "Possibly Damaging"; Align-GVGD: "Class C0"). This variant has not been reported in the literature in individuals with TUBGCP4-related conditions. This variant is not present in population databases (ExAC no frequency). This sequence change replaces histidine with arginine at codon 35 of the TUBGCP4 protein (p.His35Arg). The histidine residue is highly conserved and there is a small physicochemical difference between histidine and arginine.